The following is an entry in ClinVar:

ClinVar aggregate classification (germline): Pathogenic/Likely pathogenic. Review status: criteria provided, multiple submitters, no conflicts (2 of 4 stars). 2 submissions from 2 submitters: Pathogenic (1); Likely pathogenic (1). Last evaluated 2023-05-01.

Conditions:
Aplastic anemia. Identifiers: Orphanet 182040, Orphanet 88, MedGen C0002874, MONDO:0015909, OMIM 609135, HP:0001915.
Microcephaly, normal intelligence and immunodeficiency (NBS). Also called: IMMUNODEFICIENCY, MICROCEPHALY, AND CHROMOSOMAL INSTABILITY; SEEMANOVA SYNDROME II; Nijmegen breakage syndrome; Microcephaly with normal intelligence immunodeficiency and lymphoreticular malignancies; Nonsyndromal microcephaly autosomal recessive with normal intelligence; Seemanova syndrome 2. Identifiers: Orphanet 647, MedGen C0398791, MONDO:0009623, OMIM 251260.

Submissions (2):

Labcorp Genetics (formerly Invitae), Labcorp
Classification: Pathogenic for Microcephaly, normal intelligence and immunodeficiency. Last evaluated: 2023-05-01. Review status: criteria provided, single submitter. Criteria: Invitae Variant Classification Sherloc (09022015). Collection method: clinical testing. Allele origin: germline.
Comment: For these reasons, this variant has been classified as Pathogenic. This variant has not been reported in the literature in individuals affected with NBN-related conditions. This variant is not present in population databases (gnomAD no frequency). This sequence change creates a premature translational stop signal (p.Glu248Glyfs*3) in the NBN gene. It is expected to result in an absent or disrupted protein product. Loss-of-function variants in NBN are known to be pathogenic (PMID: 9590180, 16415040).

Baylor Genetics
Classification: Likely pathogenic for Aplastic anemia. Last evaluated: 2022-12-08. Review status: criteria provided, single submitter. Criteria: ACMG Guidelines, 2015. Collection method: clinical testing. Allele origin: unknown.

Literature cited by the submitters: PubMed 9590180 (cited by Labcorp Genetics (formerly Invitae), Labcorp); PubMed 16415040 (cited by Labcorp Genetics (formerly Invitae), Labcorp).

NM_002485.5(NBN):c.742dup (p.Glu248fs)

Gene: NBN (nibrin; minus strand). Cytogenetic location: 8q21.3.
Variant type: Duplication.
Coding change: c.742dup on transcript NM_002485.5 (MANE Select); coding-DNA position 742, one base duplicated (G; older notation c.742dupG).
Protein change: p.Glu248fs; shifts the reading frame from glutamic acid 248.
Molecular consequence: frameshift variant.
Genome position (GRCh38, 1-based): chr8:89,970,518, C duplicated on the plus strand (G on the coding strand, the reverse complement: NBN is on the minus strand); the first of 4 consecutive C bases (chr8:89,970,518-89,970,521); duplicating any one gives the same sequence. VCF-style (leftmost placement, unchanged base first): chr8-89970517-T-TC. GRCh37 (hg19) VCF-style: chr8-90982745-T-TC.
Other names: c.496dup, p.Glu166fs (NM_001024688.3); short protein forms E166fs, E248fs.
Identifiers: ClinVar variation 2676954 (VCV002676954.4), dbSNP rs864309670, ClinGen allele CA2695201506.
Genomic context (GRCh38, chr8:89,970,517, plus strand): 5'-GTTCCCGGAGCCAAAAAGAAATTATGTTCTTCTTCATTCTCTTCTGTTATCAACCTAGCT[T>TC]CCCCACCTCCAAAGACAACTGCGGAACTCAATTTCTTATGCTAAAAATGGAAGGAAACAT-3'